The following is an entry in ClinVar:

NC_000017.11:g.(?_61859786)_(61861549_?)del

Gene: BRIP1 (BRCA1 interacting DNA helicase 1; minus strand). Cytogenetic location: 17q23.2.
Variant type: Deletion.
Identifiers: ClinVar variation 583560 (VCV000583560.3).

ClinVar aggregate classification (germline): Pathogenic (1 of 4 stars; one submission).

Conditions:
Familial cancer of breast. Also called: hereditary breast carcinoma; BREAST CANCER, FAMILIAL; Hereditary breast cancer. Identifiers: Orphanet 227535, MedGen C0346153, MONDO:0016419, OMIM 114480. Disease mechanism: loss of function.
Fanconi anemia complementation group J. Also called: BRIP1-Related Fanconi Anemia. Identifiers: Orphanet 84, MedGen C1836860, MONDO:0012187, OMIM 609054.

Submission:

Labcorp Genetics (formerly Invitae), Labcorp
Classification: Pathogenic for Familial cancer of breast; Fanconi anemia complementation group J. Last evaluated: 2018-04-09. Review status: criteria provided, single submitter. Criteria: Invitae Variant Classification Sherloc (09022015). Collection method: clinical testing. Allele origin: germline.
Comment: This variant is a gross deletion of the genomic region encompassing exon 2, which includes the initiator codon, and the first 94 nucleotides of exon 3 of the BRIP1 gene (c.-31+498_187del). This likely creates a premature translational stop signal and is expected to result in an absent or disrupted protein product. This variant has been reported in the literature in an individual affected with ovarian cancer (PMID: 28783718). Loss-of-function variants in BRIP1 are known to be pathogenic (PMID: 16116423, 17033622, 21964575). For these reasons, this variant has been classified as Pathogenic.

Literature cited by the submitters: PubMed 28783718; PubMed 16116423; PubMed 17033622; PubMed 21964575.